The following is an entry in ClinVar:

NM_007347.5(AP4E1):c.2561A>T (p.Asp854Val)

Gene: AP4E1 (adaptor related protein complex 4 subunit epsilon 1; plus strand). Cytogenetic location: 15q21.2.
Variant type: single nucleotide variant.
Coding change: c.2561A>T on transcript NM_007347.5 (MANE Select); coding-DNA position 2561, A replaced by T.
Protein change: p.Asp854Val; replaces aspartic acid 854 with valine.
Molecular consequence: missense variant.
Genome position (GRCh38, 1-based): chr15:50,997,540, A>T. VCF-style: chr15-50997540-A-T. GRCh37 (hg19) VCF-style: chr15-51289737-A-T.
Other names: c.2336A>T, p.Asp779Val (NM_001252127.2); short protein forms D779V, D854V.
Identifiers: ClinVar variation 2173768 (VCV002173768.4), dbSNP rs1439708202, ClinGen allele CA392420237.
Genomic context (GRCh38, chr15:50,997,540, plus strand): 5'-CTTTGCACGATACAGGAGACAAGGAATTAAAGAAATTTTCTCTCACTTCAGAACTTTTGG[A>T]TTCTGAGTCACTCACAGAACTGCCCTTGGTTGAGAAATTCTCATATTGTAGTCTGTCTAC-3'
Protein context (NP_031373.2, residues 844-864): KKFSLTSELL[Asp854Val]SESLTELPLV

ClinVar aggregate classification (germline): Uncertain significance (1 of 4 stars; one submission).

Conditions:
Spastic paraplegia. Identifiers: MedGen C0037772, HP:0001258.

Submission:

Labcorp Genetics (formerly Invitae), Labcorp
Classification: Uncertain significance for Spastic paraplegia. Last evaluated: 2022-09-26. Review status: criteria provided, single submitter. Criteria: Invitae Variant Classification Sherloc (09022015). Collection method: clinical testing. Allele origin: germline.
Comment: This sequence change replaces aspartic acid, which is acidic and polar, with valine, which is neutral and non-polar, at codon 854 of the AP4E1 protein (p.Asp854Val). This variant is not present in population databases (gnomAD no frequency). This variant has not been reported in the literature in individuals affected with AP4E1-related conditions. Algorithms developed to predict the effect of missense changes on protein structure and function (SIFT, PolyPhen-2, Align-GVGD) all suggest that this variant is likely to be tolerated. In summary, the available evidence is currently insufficient to determine the role of this variant in disease. Therefore, it has been classified as a Variant of Uncertain Significance.